The following is an entry in ClinVar:

NM_004958.4(MTOR):c.4510G>A (p.Val1504Ile)

Gene: MTOR (mechanistic target of rapamycin kinase; minus strand). Cytogenetic location: 1p36.22.
Variant type: single nucleotide variant.
Coding change: c.4510G>A on transcript NM_004958.4 (MANE Select); coding-DNA position 4510, G replaced by A.
Protein change: p.Val1504Ile; replaces valine 1504 with isoleucine.
Molecular consequence: missense variant.
Genome position (GRCh38, 1-based): chr1:11,150,186, C>T on the plus strand (G>A on the coding strand, the complement: MTOR is on the minus strand). VCF-style: chr1-11150186-C-T. GRCh37 (hg19) VCF-style: chr1-11210243-C-T.
Other names: c.4510G>A, p.Val1504Ile (NM_001386500.1); c.3262G>A, p.Val1088Ile (NM_001386501.1); short protein forms V1088I, V1504I.
Identifiers: ClinVar variation 1346751 (VCV001346751.8), dbSNP rs2100537158, ClinGen allele CA338369776.

ClinVar aggregate classification (germline): Uncertain significance (1 of 4 stars; one submission).

gnomAD v4.1: 1 of 1,614,098 alleles (0.000062%); highest among the groups gnomAD compares: Non-Finnish European, 0.000085%; no homozygotes.

Submission:

Labcorp Genetics (formerly Invitae), Labcorp
Classification: Uncertain significance. Last evaluated: 2021-04-19. Review status: criteria provided, single submitter. Criteria: Invitae Variant Classification Sherloc (09022015). Collection method: clinical testing. Allele origin: germline.
Comment: In summary, the available evidence is currently insufficient to determine the role of this variant in disease. Therefore, it has been classified as a Variant of Uncertain Significance. Advanced modeling of protein sequence and biophysical properties (such as structural, functional, and spatial information, amino acid conservation, physicochemical variation, residue mobility, and thermodynamic stability) performed at Invitae indicates that this missense variant is not expected to disrupt MTOR protein function. This variant has not been reported in the literature in individuals with MTOR-related conditions. This variant is not present in population databases (ExAC no frequency). This sequence change replaces valine with isoleucine at codon 1504 of the MTOR protein (p.Val1504Ile). The valine residue is moderately conserved and there is a small physicochemical difference between valine and isoleucine.